The following is an entry in ClinVar:

ClinVar aggregate classification (germline): Pathogenic/Likely pathogenic. Review status: criteria provided, multiple submitters, no conflicts (2 of 4 stars). 7 submissions from 7 submitters: Pathogenic (6); Likely pathogenic (1). Last evaluated 2026-02-19.

Conditions:
Hereditary cancer-predisposing syndrome. Also called: Hereditary neoplastic syndrome; Tumor predisposition; Hereditary Cancer Syndrome; Neoplastic Syndromes, Hereditary. Identifiers: Orphanet 140162, MedGen C0027672, MeSH D009386, MONDO:0015356.
Cardiovascular phenotype. Identifiers: MedGen CN230736.
Neurofibromatosis, type 1 (NF1). Also called: Neurofibromatosis, type I; NEUROFIBROMATOSIS, TYPE I, SOMATIC; Peripheral type neurofibromatosis; VON RECKLINGHAUSEN DISEASE. Identifiers: Orphanet 636, MedGen C0027831, MONDO:0018975, OMIM 162200. Disease mechanism: loss of function.
Juvenile myelomonocytic leukemia (JMML). Also called: LEUKEMIA, JUVENILE MYELOMONOCYTIC, SOMATIC. Identifiers: Orphanet 86834, MedGen C0349639, MONDO:0011908, OMIM 607785, HP:0012209.

Submissions (7):

Myriad Genetics, Inc.
Classification: Pathogenic for Neurofibromatosis, type 1. Last evaluated: 2026-02-19. Review status: criteria provided, single submitter. Criteria: Myriad Autosomal Dominant, Autosomal Recessive and X-Linked Classification Criteria (2023). Collection method: clinical testing. Allele origin: unknown.
Comment: This variant is considered pathogenic. This variant creates a termination codon and is predicted to result in premature protein truncation.

Ambry Genetics
Classification: Pathogenic for Cardiovascular phenotype; Hereditary cancer-predisposing syndrome. Last evaluated: 2025-10-06. Review status: criteria provided, single submitter. Criteria: Ambry Variant Classification Scheme 2023. Collection method: clinical testing. Allele origin: germline.
Comment: The p.Q616* pathogenic mutation (also known as c.1846C>T), located in coding exon 17 of the NF1 gene, results from a C to T substitution at nucleotide position 1846. This changes the amino acid from a glutamine to a stop codon within coding exon 17. This variant was reported in individual(s) with features consistent with neurofibromatosis type 1 (NF1) (Ambry internal data). This variant is considered to be rare based on population cohorts in the Genome Aggregation Database (gnomAD). This alteration is expected to result in loss of function by premature protein truncation or nonsense-mediated mRNA decay. As such, this alteration is interpreted as a disease-causing mutation.

Labcorp Genetics (formerly Invitae), Labcorp
Classification: Pathogenic for Neurofibromatosis, type 1. Last evaluated: 2025-05-05. Review status: criteria provided, single submitter. Criteria: Invitae Variant Classification Sherloc (09022015). Collection method: clinical testing. Allele origin: germline.
Comment: This sequence change creates a premature translational stop signal (p.Gln616*) in the NF1 gene. It is expected to result in an absent or disrupted protein product. Loss-of-function variants in NF1 are known to be pathogenic (PMID: 10712197, 23913538). This variant is not present in population databases (gnomAD no frequency). This premature translational stop signal has been observed in individual(s) with neurofibromatosis type 1 (PMID: 23656349, 31370276). ClinVar contains an entry for this variant (Variation ID: 547603). Algorithms developed to predict the effect of sequence changes on RNA splicing suggest that this variant may disrupt the consensus splice site. For these reasons, this variant has been classified as Pathogenic.

NHS Central & South Genomic Laboratory Hub
Classification: Pathogenic for Neurofibromatosis type 1. Last evaluated: 2024-11-11. Review status: criteria provided, single submitter. Criteria: ACMG Guidelines, 2015. Collection method: clinical testing. Allele origin: germline. Affected: yes.

GeneDx
Classification: Pathogenic. Last evaluated: 2024-09-16. Review status: criteria provided, single submitter. Criteria: GeneDx Variant Classification Process June 2021. Collection method: clinical testing. Allele origin: germline. Affected: yes.
Comment: Nonsense variant predicted to result in protein truncation or nonsense mediated decay in a gene for which loss-of-function is a known mechanism of disease; Not observed at significant frequency in large population cohorts (gnomAD); This variant is associated with the following publications: (PMID: 23656349, 35433111, 31370276)

Baylor Genetics
Classification: Pathogenic for Juvenile myelomonocytic leukemia. Last evaluated: 2022-03-27. Review status: criteria provided, single submitter. Criteria: ACMG Guidelines, 2015. Collection method: clinical testing. Allele origin: unknown.

Center for Human Genetics, Inc
Classification: Likely pathogenic for Neurofibromatosis, type 1. Last evaluated: 2016-11-01. Review status: criteria provided, single submitter. Criteria: ACMG Guidelines, 2015. Collection method: clinical testing. Allele origin: germline. Affected: yes.

Literature cited by the submitters: PubMed 10712197 (cited by Labcorp Genetics (formerly Invitae), Labcorp); PubMed 23913538 (cited by Labcorp Genetics (formerly Invitae), Labcorp); PubMed 23656349 (cited by Labcorp Genetics (formerly Invitae), Labcorp); PubMed 31370276 (cited by Labcorp Genetics (formerly Invitae), Labcorp).

NM_001042492.3(NF1):c.1846C>T (p.Gln616Ter)

Gene: NF1 (neurofibromin 1; plus strand). Cytogenetic location: 17q11.2.
Variant type: single nucleotide variant.
Coding change: c.1846C>T on transcript NM_001042492.3 (MANE Select); coding-DNA position 1846, C replaced by T.
Protein change: p.Gln616Ter; replaces glutamine 616 with a stop codon.
Molecular consequence: nonsense.
Genome position (GRCh38, 1-based): chr17:31,225,095, C>T. VCF-style: chr17-31225095-C-T. GRCh37 (hg19) VCF-style: chr17-29552113-C-T.
Other names: c.1846C>T, p.Gln616Ter (NM_000267.4); short protein forms Q616*.
Identifiers: ClinVar variation 547603 (VCV000547603.10), dbSNP rs1555613543, ClinGen allele CA399005005.
Genomic context (GRCh38, chr17:31,225,095, plus strand): 5'-GTGTTTATTCCTCTTGGTTGTCAGTGCTTCAGTAAAGCTTATTTATTTATTTTTTTCTAG[C>T]AGGCAGATAGAAGTTCCTGTCACTTTCTCCTTTTTTACGGGGTAGGATGTGATATTCCTT-3'